The following is an entry in ClinVar:

ClinVar aggregate classification (germline): Pathogenic. Review status: reviewed by expert panel (3 of 4 stars). 6 submissions from 6 submitters: Pathogenic (1). 5 of the submissions do not count toward it. Last evaluated 2013-09-05.

Conditions:
Hereditary nonpolyposis colorectal neoplasms. Identifiers: MedGen C0009405, MeSH D003123.
Lynch syndrome. Identifiers: Orphanet 144, MedGen C4552100, MONDO:0005835. Disease mechanism: loss of function.
Lynch syndrome 5 (LYNCH5). Also called: Colorectal cancer, hereditary nonpolyposis, type 5; Hereditary non-polyposis colorectal cancer, type 5. Identifiers: Orphanet 144, MedGen C1833477, MONDO:0013710, OMIM 614350. Disease mechanism: loss of function.
Hereditary cancer-predisposing syndrome. Also called: Tumor predisposition; Hereditary Cancer Syndrome; Hereditary neoplastic syndrome; Neoplastic Syndromes, Hereditary. Identifiers: Orphanet 140162, MedGen C0027672, MeSH D009386, MONDO:0015356.

Submissions (6):

International Society for Gastrointestinal Hereditary Tumours (InSiGHT)
Classification: Pathogenic for Lynch Syndrome. Last evaluated: 2013-09-05. Review status: reviewed by expert panel. Criteria: Guidelines v1.9. Collection method: research. Allele origin: germline.
Comment: Coding sequence variation resulting in a stop codon

Classified with v1.9 guidelines

Labcorp Genetics (formerly Invitae), Labcorp
Classification: Pathogenic for Hereditary nonpolyposis colorectal neoplasms. Last evaluated: 2024-10-15. Review status: criteria provided, single submitter. Criteria: Invitae Variant Classification Sherloc (09022015). Collection method: clinical testing. Allele origin: germline. Not counted in ClinVar's aggregate classification.
Comment: This sequence change creates a premature translational stop signal (p.Phe1245Ilefs*31) in the MSH6 gene. It is expected to result in an absent or disrupted protein product. Loss-of-function variants in MSH6 are known to be pathogenic (PMID: 18269114, 24362816). This variant is not present in population databases (gnomAD no frequency). This premature translational stop signal has been observed in individual(s) with clinical features of Lynch syndrome (PMID: 20028993, 26517685). Invitae Evidence Modeling of clinical and family history, age, sex, and reported ancestry of multiple individuals with this MSH6 variant has been performed. This variant is expected to be pathogenic with a positive predictive value of at least 99%. This is a validated machine learning model that incorporates the clinical features of 1,370,736 individuals referred to our laboratory for MSH6 testing. ClinVar contains an entry for this variant (Variation ID: 89454). For these reasons, this variant has been classified as Pathogenic.

Ambry Genetics
Classification: Pathogenic for Hereditary cancer-predisposing syndrome. Last evaluated: 2023-11-02. Review status: criteria provided, single submitter. Criteria: Ambry Variant Classification Scheme 2023. Collection method: clinical testing. Allele origin: germline. Not counted in ClinVar's aggregate classification.
Comment: The c.3729_3732dupATTA pathogenic mutation, located in coding exon 8 of the MSH6 gene, results from a duplication of ATTA at nucleotide position 3729, causing a translational frameshift with a predicted alternate stop codon (p.F1245Ifs*31). This variant is considered to be rare based on population cohorts in the Genome Aggregation Database (gnomAD). This alteration has been identified in multiple unrelated Dutch families with Lynch syndrome (Baglietto L et al. J. Natl. Cancer Inst. 2010 Feb;102:193-201; J&oacute;ri B et al. Oncotarget 2015 Dec;6:41108-22). In addition to the clinical data presented in the literature, this alteration is expected to result in loss of function by premature protein truncation or nonsense-mediated mRNA decay. As such, this alteration is interpreted as a disease-causing mutation.

Myriad Genetics, Inc.
Classification: Pathogenic for Lynch syndrome 5. Last evaluated: 2023-08-25. Review status: criteria provided, single submitter. Criteria: Myriad Autosomal Dominant, Autosomal Recessive and X-Linked Classification Criteria (2023). Collection method: clinical testing. Allele origin: unknown. Not counted in ClinVar's aggregate classification.
Comment: This variant is considered pathogenic. This variant creates a frameshift predicted to result in premature protein truncation.

Revvity Omics, Revvity
Classification: Pathogenic. Last evaluated: 2021-12-22. Review status: criteria provided, single submitter. Criteria: ACMG Guidelines, 2015. Collection method: clinical testing. Allele origin: germline. Not counted in ClinVar's aggregate classification.

Department of Pathology and Laboratory Medicine, Sinai Health System
Classification: Pathogenic for Lynch syndrome. Last evaluated: 2021-06-10. Review status: criteria provided, single submitter. Criteria: ACMG Guidelines, 2015. Collection method: clinical testing. Allele origin: germline. Affected: yes. Not counted in ClinVar's aggregate classification.

Literature cited by the submitters: PubMed 18269114 (cited by Labcorp Genetics (formerly Invitae), Labcorp); PubMed 24362816 (cited by Labcorp Genetics (formerly Invitae), Labcorp); PubMed 20028993 (cited by Labcorp Genetics (formerly Invitae), Labcorp and Ambry Genetics); PubMed 26517685 (cited by Labcorp Genetics (formerly Invitae), Labcorp and Ambry Genetics).

NM_000179.3(MSH6):c.3729_3732dup (p.Phe1245fs)

Gene: MSH6 (mutS homolog 6; plus strand). Cytogenetic location: 2p16.3.
Variant type: Duplication.
Coding change: c.3729_3732dup on transcript NM_000179.3 (MANE Select); coding-DNA positions 3729 to 3732, 4 bases duplicated (ATTA; older notation c.3729_3732dupATTA).
Protein change: p.Phe1245fs; shifts the reading frame from phenylalanine 1245.
Molecular consequence: frameshift variant.
Genome position (GRCh38, 1-based): chr2:47,806,286-47,806,289, ATTA duplicated. VCF-style (leftmost placement, unchanged base first): chr2-47806285-C-CATTA. GRCh37 (hg19) VCF-style: chr2-48033424-C-CATTA.
Other names: c.3339_3342dup, p.Phe1115fs (NM_001281492.2); c.2823_2826dup, p.Phe943fs (NM_001281493.2, NM_001281494.2); short protein forms F943fs, F1115fs, F1245fs.
Identifiers: ClinVar variation 89454 (VCV000089454.15), dbSNP rs587779288, ClinGen allele CA330562.